The following is an entry in ClinVar:

ClinVar aggregate classification (germline): Conflicting classifications of pathogenicity. Review status: criteria provided, conflicting classifications (1 of 4 stars). 7 submissions from 7 submitters: Uncertain significance (1); Benign (1); Likely benign (3). 2 of the submissions do not count toward it. Last evaluated 2026-09-01.

Allele frequency attached by ClinVar (database versions not stated): 1000 Genomes Project 30x 0.00016; 1000 Genomes Project 0.00020; TOPMed 0.00077; ESP Exome Variant Server 0.00092; gnomAD exomes 0.00129; ExAC 0.00142; gnomAD 0.00309.
gnomAD v4.1: 1,744 of 1,614,162 alleles (0.11%); highest among the groups gnomAD compares: Non-Finnish European, 0.092%; 3 homozygotes.

Submissions (7):

CeGaT Center for Human Genetics Tuebingen
Classification: Likely benign. Last evaluated: 2026-09-01. Review status: criteria provided, single submitter. Criteria: CeGaT Center For Human Genetics Tuebingen Variant Classification Criteria Version 2. Collection method: clinical testing. Allele origin: germline. Affected: yes. Observed: 1 variant allele.
Comment: NLRP1: BP4

Labcorp Genetics (formerly Invitae), Labcorp
Classification: Benign. Last evaluated: 2026-01-26. Review status: criteria provided, single submitter. Criteria: Invitae Variant Classification Sherloc (09022015). Collection method: clinical testing. Allele origin: germline.

Women's Health and Genetics/Laboratory Corporation of America, LabCorp
Classification: Likely benign. Last evaluated: 2025-11-12. Review status: criteria provided, single submitter. Criteria: LabCorp Variant Classification Summary - May 2015. Collection method: clinical testing. Allele origin: germline.
Comment: Variant summary: NLRP1 c.2605G>A (p.Glu869Lys) results in a conservative amino acid change located in the Leucine-rich repeat region (IPR001611) of the encoded protein sequence. Algorithms developed to predict the effect of missense changes on protein structure and function all suggest that this variant is likely to be tolerated. The variant allele was found at a frequency of 0.0011 in 1607188 control chromosomes, including 3 homozygotes, predominantly reported at a frequency of 0.0083 within the Finnish subpopulation in the gnomAD database (v4.1 dataset). The observed variant frequency within Finnish control individuals in the gnomAD database exceeds the estimated maximal expected allele frequency for disease-causing variants in NLRP1. To our knowledge, no occurrence of c.2605G>A in individuals affected with NLRP1-related conditions and no experimental evidence demonstrating its impact on protein function have been reported. The following publication has been ascertained in the context of this evaluation (PMID: 23382179). ClinVar contains an entry for this variant (Variation ID: 774927). Based on the evidence outlined above, the variant was classified as likely benign.

Blueprint Genetics
Classification: Likely benign. Last evaluated: 2024-11-19. Review status: criteria provided, single submitter. Criteria: ACMG Guidelines, 2015. Collection method: clinical testing. Allele origin: germline.

GeneDx
Classification: Uncertain significance. Last evaluated: 2020-11-30. Review status: criteria provided, single submitter. Criteria: GeneDx Variant Classification Process June 2021. Collection method: clinical testing. Allele origin: germline. Affected: yes.
Comment: In silico analysis supports that this missense variant does not alter protein structure/function; This variant is associated with the following publications: (PMID: 23382179, 30526451)

Clinical Genetics DNA and cytogenetics Diagnostics Lab, Erasmus MC, Erasmus Medical Center
Classification: Likely benign. Review status: no assertion criteria provided. Collection method: clinical testing. Allele origin: germline. Affected: yes. Study: VKGL Data-share Consensus. Not counted in ClinVar's aggregate classification.

Genome Diagnostics Laboratory, University Medical Center Utrecht
Classification: Likely benign. Review status: no assertion criteria provided. Collection method: clinical testing. Allele origin: germline. Affected: yes. Study: VKGL Data-share Consensus. Not counted in ClinVar's aggregate classification.

Literature cited by the submitters: PubMed 23382179 (cited by Women's Health and Genetics/Laboratory Corporation of America, LabCorp).

NM_033004.4(NLRP1):c.2605G>A (p.Glu869Lys)

Gene: NLRP1 (NLR family pyrin domain containing 1; minus strand). Cytogenetic location: 17p13.2.
Variant type: single nucleotide variant.
Coding change: c.2605G>A on transcript NM_033004.4 (MANE Select); coding-DNA position 2605, G replaced by A.
Protein change: p.Glu869Lys; replaces glutamic acid 869 with lysine.
Molecular consequence: missense variant.
Genome position (GRCh38, 1-based): chr17:5,541,951, C>T on the plus strand (G>A on the coding strand, the complement: NLRP1 is on the minus strand). VCF-style: chr17-5541951-C-T. GRCh37 (hg19) VCF-style: chr17-5445271-C-T.
Other names: c.2605G>A, p.Glu869Lys (NM_001033053.3, NM_014922.5, NM_033006.4 and 1 more transcripts); short protein forms E869K.
Identifiers: ClinVar variation 774927 (VCV000774927.16), dbSNP rs146505967, ClinGen allele CA8327117.